The following is an entry in ClinVar:

ClinVar aggregate classification (germline): Likely pathogenic (1 of 4 stars; one submission).

Conditions:
Congenital myotonia, autosomal dominant form (THD). Also called: THOMSEN DISEASE; Myotonia congenita autosomal dominant. Identifiers: Orphanet 614, MedGen C2936781, MONDO:0008055, OMIM 160800.
Congenital myotonia, autosomal recessive form. Also called: Becker Generalized Myotonia; myotonia congenita, autosomal recessive; BECKER DISEASE. Identifiers: Orphanet 614, MedGen C0751360, MONDO:0009715, OMIM 255700.

Submission:

Labcorp Genetics (formerly Invitae), Labcorp
Classification: Likely pathogenic for Congenital myotonia, autosomal recessive form; Congenital myotonia, autosomal dominant form. Last evaluated: 2022-11-29. Review status: criteria provided, single submitter. Criteria: Invitae Variant Classification Sherloc (09022015). Collection method: clinical testing. Allele origin: germline.
Comment: This variant disrupts the p.Cys277 amino acid residue in CLCN1. Other variant(s) that disrupt this residue have been determined to be pathogenic (PMID: 22641783, 27118449; Invitae). This suggests that this residue is clinically significant, and that variants that disrupt this residue are likely to be disease-causing. Advanced modeling of protein sequence and biophysical properties (such as structural, functional, and spatial information, amino acid conservation, physicochemical variation, residue mobility, and thermodynamic stability) performed at Invitae indicates that this missense variant is expected to disrupt CLCN1 protein function. ClinVar contains an entry for this variant (Variation ID: 1036405). This variant has not been reported in the literature in individuals affected with CLCN1-related conditions. This variant is not present in population databases (gnomAD no frequency). This sequence change replaces cysteine, which is neutral and slightly polar, with glycine, which is neutral and non-polar, at codon 277 of the CLCN1 protein (p.Cys277Gly). In summary, the currently available evidence indicates that the variant is pathogenic, but additional data are needed to prove that conclusively. Therefore, this variant has been classified as Likely Pathogenic.

Literature cited by the submitters: PubMed 22641783; PubMed 27118449.

NM_000083.3(CLCN1):c.829T>G (p.Cys277Gly)

Gene: CLCN1 (chloride voltage-gated channel 1; plus strand). Cytogenetic location: 7q34.
Variant type: single nucleotide variant.
Coding change: c.829T>G on transcript NM_000083.3 (MANE Select); coding-DNA position 829, T replaced by G.
Protein change: p.Cys277Gly; replaces cysteine 277 with glycine.
Molecular consequence: missense variant. On other transcripts: non-coding transcript variant (1).
Genome position (GRCh38, 1-based): chr7:143,324,468, T>G. VCF-style: chr7-143324468-T-G. GRCh37 (hg19) VCF-style: chr7-143021561-T-G.
Other names: short protein forms C277G.
Identifiers: ClinVar variation 1036405 (VCV001036405.10), dbSNP rs757109632, ClinGen allele CA369687574.
Genomic context (GRCh38, chr7:143,324,468, plus strand): 5'-TAGTAGCAGCCATACTACTACTCTGATATCCTGACGGTGGGCTGTGCTGTGGGAGTCGGC[T>G]GTTGTTTTGGGACACCACTTGGAGGCAAGTGATTGACCCCCTCCCCCATCAATCGGCTTG-3'
Protein context (NP_000074.3, residues 267-287): LTVGCAVGVG[Cys277Gly]CFGTPLGGVL